The following is an entry in ClinVar:

ClinVar aggregate classification (germline): Pathogenic (1 of 4 stars; one submission).

Conditions:
Hereditary cancer-predisposing syndrome. Also called: Neoplastic Syndromes, Hereditary; Tumor predisposition; Hereditary neoplastic syndrome; Hereditary Cancer Syndrome. Identifiers: Orphanet 140162, MedGen C0027672, MeSH D009386, MONDO:0015356.

Submission:

Ambry Genetics
Classification: Pathogenic for Hereditary cancer-predisposing syndrome. Last evaluated: 2026-09-09. Review status: criteria provided, single submitter. Criteria: Ambry Variant Classification Scheme 2023. Collection method: clinical testing. Allele origin: germline.
Comment: The c.2971delG pathogenic mutation, located in coding exon 9 of the PALB2 gene, results from a deletion of one nucleotide at nucleotide position 2971, causing a translational frameshift with a predicted alternate stop codon (p.V991Sfs*2). This variant is considered to be rare based on population cohorts in the Genome Aggregation Database (gnomAD). This variant is expected to result in loss of function by premature protein truncation or nonsense-mediated mRNA decay. As such, this variant is interpreted as a disease-causing mutation.

NM_024675.4(PALB2):c.2971del (p.Val991fs)

Gene: PALB2 (partner and localizer of BRCA2; minus strand). Cytogenetic location: 16p12.2.
Variant type: Deletion.
Coding change: c.2971del on transcript NM_024675.4 (MANE Select); coding-DNA position 2971, one base deleted (G; older notation c.2971delG).
Protein change: p.Val991fs; shifts the reading frame from valine 991.
Molecular consequence: frameshift variant. On other transcripts: intron variant (1).
Genome position (GRCh38, 1-based): chr16:23,622,994, C deleted on the plus strand (G on the coding strand, the reverse complement: PALB2 is on the minus strand). VCF-style (leftmost placement, unchanged base first): chr16-23622993-AC-A. GRCh37 (hg19) VCF-style: chr16-23634314-AC-A.
Other names: c.2809del, p.Val937fs (NM_001407302.1, NM_001407298.1); c.2086del, p.Val696fs (NM_001407304.1, NM_001407305.1, NM_001407306.1 and 4 more transcripts); c.1924del, p.Val642fs (NM_001407307.1); c.2911del, p.Val971fs (NM_001407296.1); c.2899del, p.Val967fs (NM_001407297.1); c.2971del, p.Val991fs (NM_001407299.1, NM_001407301.1); c.1183del, p.Val395fs (NM_001407312.1, NM_001407313.1); c.505del, p.Val169fs (NM_001407314.1); and 1 more; short protein forms V169fs, V642fs, V696fs, V967fs, V395fs, V991fs, V937fs, V971fs.
Identifiers: ClinVar variation 5026203 (VCV005026203.1).
Genomic context (GRCh38, chr16:23,622,993, plus strand): 5'-ATCTAATAGTTAAAAATCAATCAATGCTTTTCTTACCCTCCATCTTCTGCAAACGTCATG[AC>A]TTCTACTTGTTGATCAGAAAGGGTCCCACTGCTACTAACTAGCCTCCTCTTTGTCAGGCC-3'